The following is an entry in ClinVar:

NM_001710.6(CFB):c.1691A>G (p.Lys564Arg)

Gene: CFB (complement factor B; plus strand). Cytogenetic location: 6p21.33.
Variant type: single nucleotide variant.
Coding change: c.1691A>G on transcript NM_001710.6 (MANE Select); coding-DNA position 1691, A replaced by G.
Protein change: p.Lys564Arg; replaces lysine 564 with arginine.
Molecular consequence: missense variant.
Genome position (GRCh38, 1-based): chr6:31,950,685, A>G. VCF-style: chr6-31950685-A-G. GRCh37 (hg19) VCF-style: chr6-31918462-A-G.
Other names: short protein forms K564R.
Identifiers: ClinVar variation 3661905 (VCV003661905.2).

ClinVar aggregate classification (germline): Uncertain significance (1 of 4 stars; one submission).

Submission:

Labcorp Genetics (formerly Invitae), Labcorp
Classification: Uncertain significance. Last evaluated: 2024-08-10. Review status: criteria provided, single submitter. Criteria: Invitae Variant Classification Sherloc (09022015). Collection method: clinical testing. Allele origin: germline.
Comment: This sequence change replaces lysine, which is basic and polar, with arginine, which is basic and polar, at codon 564 of the CFB protein (p.Lys564Arg). This variant is not present in population databases (gnomAD no frequency). This variant has not been reported in the literature in individuals affected with CFB-related conditions. Advanced modeling of protein sequence and biophysical properties (such as structural, functional, and spatial information, amino acid conservation, physicochemical variation, residue mobility, and thermodynamic stability) performed at Invitae indicates that this missense variant is not expected to disrupt CFB protein function with a negative predictive value of 80%. In summary, the available evidence is currently insufficient to determine the role of this variant in disease. Therefore, it has been classified as a Variant of Uncertain Significance.